The following is an entry in ClinVar:

NM_001903.5(CTNNA1):c.1654_1666delinsCCA (p.Val552fs)

Gene: CTNNA1 (catenin alpha 1; plus strand). Cytogenetic location: 5q31.2.
Variant type: Indel.
Coding change: c.1654_1666delinsCCA on transcript NM_001903.5 (MANE Select); coding-DNA positions 1654 to 1666, GTCATTCACGTAG replaced by CCA.
Protein change: p.Val552fs; shifts the reading frame from valine 552.
Molecular consequence: frameshift variant.
Genome position (GRCh38, 1-based): chr5:138,924,617-138,924,629, GTCATTCACGTAG replaced by CCA. VCF-style: chr5-138924617-GTCATTCACGTAG-CCA. GRCh37 (hg19) VCF-style: chr5-138260306-GTCATTCACGTAG-CCA.
Other names: c.1654_1666delinsCCA, p.Val552fs (NM_001290307.3, NM_001323982.2, NM_001323983.1 and 2 more transcripts); c.1345_1357delinsCCA, p.Val449fs (NM_001290309.3); c.1285_1297delinsCCA, p.Val429fs (NM_001290310.3); c.544_556delinsCCA, p.Val182fs (NM_001290312.1, NM_001323987.1, NM_001323988.1 and 17 more transcripts); c.1561_1573delinsCCA, p.Val521fs (NM_001323986.2); c.205_217delinsCCA, p.Val69fs (NM_001324006.1, NM_001324007.1, NM_001324008.1 and 2 more transcripts); c.451_463delinsCCA, p.Val151fs (NM_001324011.1); c.301_313delinsCCA, p.Val101fs (NM_001324012.1, NM_001324013.1); short protein forms V182fs, V429fs, V552fs, V151fs, V521fs, V101fs, V69fs, V449fs.
Identifiers: ClinVar variation 3837163 (VCV003837163.2).

ClinVar aggregate classification (germline): Pathogenic (1 of 4 stars; one submission).

Conditions:
Hereditary cancer-predisposing syndrome. Also called: Hereditary neoplastic syndrome; Neoplastic Syndromes, Hereditary; Tumor predisposition; Hereditary Cancer Syndrome. Identifiers: Orphanet 140162, MedGen C0027672, MeSH D009386, MONDO:0015356.

Submission:

Ambry Genetics
Classification: Pathogenic for Hereditary cancer-predisposing syndrome. Last evaluated: 2025-07-14. Review status: criteria provided, single submitter. Criteria: Ambry Variant Classification Scheme 2023. Collection method: clinical testing. Allele origin: germline.
Comment: The c.1654_1666del13insCCA pathogenic mutation, located in coding exon 11 of the CTNNA1 gene, results from the deletion of 13 nucleotides and insertion of 3 nucleotides causing a translational frameshift with a predicted alternate stop codon (p.V552Pfs*37). This variant is considered to be rare based on population cohorts in the Genome Aggregation Database (gnomAD). This alteration is expected to result in loss of function by premature protein truncation or nonsense-mediated mRNA decay. As such, this variant is interpreted as a disease-causing mutation.